The following is an entry in ClinVar:

ClinVar aggregate classification (germline): Uncertain significance (0 of 4 stars; one submission).

Conditions:
SMPD1-related disorder. Also called: SMPD1-related condition.

gnomAD v4.1: 2 of 1,614,048 alleles (0.00012%); highest among the groups gnomAD compares: East Asian, 0.0045%; no homozygotes.

Submission:

PreventionGenetics, part of Exact Sciences
Classification: Uncertain significance for SMPD1-related condition. Last evaluated: 2024-05-13. Review status: no assertion criteria provided. Collection method: clinical testing. Allele origin: germline.
Comment: The SMPD1 c.448C>A variant is predicted to result in the amino acid substitution p.Arg150Ser. To our knowledge, this variant has not been reported in the literature or in a large population database, indicating this variant is rare. A different variant at the same amino acid position, c.448C>T, p.(Arg150Cys), has been reported in individuals with Parkinson's disease (Zhao et al 2021. PubMed ID: 34867278; Chen YP et al 2022. PubMed ID: 35861376). At this time, the clinical significance of this variant is uncertain due to the absence of conclusive functional and genetic evidence.

NM_000543.5(SMPD1):c.448C>A (p.Arg150Ser)

Gene: SMPD1 (sphingomyelin phosphodiesterase 1; plus strand). Cytogenetic location: 11p15.4.
Variant type: single nucleotide variant.
Coding change: c.448C>A on transcript NM_000543.5 (MANE Select); coding-DNA position 448, C replaced by A.
Protein change: p.Arg150Ser; replaces arginine 150 with serine.
Molecular consequence: missense variant. On other transcripts: 5 prime UTR variant (1), non-coding transcript variant (1).
Genome position (GRCh38, 1-based): chr11:6,391,513, C>A. VCF-style: chr11-6391513-C-A. GRCh37 (hg19) VCF-style: chr11-6412743-C-A.
Other names: c.445C>A, p.Arg149Ser (NM_001007593.3); c.448C>A, p.Arg150Ser (NM_001318087.2, NM_001365135.2); c.-514C>A (NM_001318088.2); short protein forms R149S, R150S.
Identifiers: ClinVar variation 3345721 (VCV003345721.1).